The following is an entry in ClinVar:

ClinVar aggregate classification (germline): Uncertain significance (1 of 4 stars; one submission).

Conditions:
Cystic fibrosis (CF). Also called: MUCOVISCIDOSIS. Identifiers: Orphanet 586, MedGen C0010674, MONDO:0009061, OMIM 219700. Disease mechanism: loss of function.

Allele frequency attached by ClinVar (database versions not stated): TOPMed 0.00005; gnomAD 0.00001.
gnomAD v4.1: 1 of 1,613,160 alleles (0.000062%); highest among the groups gnomAD compares: Admixed American, 0.0017%; no homozygotes.

Submission:

Ambry Genetics
Classification: Uncertain significance for Cystic fibrosis. Last evaluated: 2022-11-10. Review status: criteria provided, single submitter. Criteria: Ambry Variant Classification Scheme 2023. Collection method: clinical testing. Allele origin: germline.
Comment: The p.P1205H variant (also known as c.3614C>A), located in coding exon 22 of the CFTR gene, results from a C to A substitution at nucleotide position 3614. The proline at codon 1205 is replaced by histidine, an amino acid with similar properties. This amino acid position is conserved. In addition, this alteration is predicted to be deleterious by in silico analysis. Since supporting evidence is limited at this time, the clinical significance of this alteration remains unclear.

NM_000492.4(CFTR):c.3614C>A (p.Pro1205His)

Genes: CFTR (CF transmembrane conductance regulator; plus strand), CFTR-AS2 (CFTR antisense RNA 2; minus strand). Cytogenetic location: 7q31.2.
Variant type: single nucleotide variant.
Coding change: c.3614C>A on transcript NM_000492.4 (MANE Select); coding-DNA position 3614, C replaced by A.
Protein change: p.Pro1205His; replaces proline 1205 with histidine.
Molecular consequence: missense variant.
Genome position (GRCh38, 1-based): chr7:117,627,667, C>A. VCF-style: chr7-117627667-C-A. GRCh37 (hg19) VCF-style: chr7-117267721-C-A.
Other names: short protein forms P1205H.
Identifiers: ClinVar variation 2453613 (VCV002453613.2), dbSNP rs1367899158, ClinGen allele CA368997189.